The following is an entry in ClinVar:

NM_000051.4(ATM):c.928A>C (p.Ser310Arg)

Gene: ATM (ATM serine/threonine kinase; plus strand). Cytogenetic location: 11q22.3.
Variant type: single nucleotide variant.
Coding change: c.928A>C on transcript NM_000051.4 (MANE Select); coding-DNA position 928, A replaced by C.
Protein change: p.Ser310Arg; replaces serine 310 with arginine.
Molecular consequence: missense variant.
Genome position (GRCh38, 1-based): chr11:108,246,990, A>C. VCF-style: chr11-108246990-A-C. GRCh37 (hg19) VCF-style: chr11-108117717-A-C.
Other names: c.928A>C, p.Ser310Arg (NM_001351834.2); short protein forms S310R.
Identifiers: ClinVar variation 2715011 (VCV002715011.3), dbSNP rs745773225, ClinGen allele CA382530665.

ClinVar aggregate classification (germline): Uncertain significance (1 of 4 stars; one submission).

Conditions:
Ataxia-telangiectasia syndrome (AT). Also called: AT, COMPLEMENTATION GROUP C; Ataxia telangiectasia (A-T); Ataxia-telangiectasia, complementation group D; Ataxia-telangiectasia, complementation group E; LOUIS-BAR SYNDROME; ATAXIA-TELANGIECTASIA, COMPLEMENTATION GROUP A. Identifiers: Orphanet 100, MedGen C0004135, MONDO:0008840, OMIM 208900.

Submission:

Labcorp Genetics (formerly Invitae), Labcorp
Classification: Uncertain significance for Ataxia-telangiectasia syndrome. Last evaluated: 2025-01-24. Review status: criteria provided, single submitter. Criteria: Invitae Variant Classification Sherloc (09022015). Collection method: clinical testing. Allele origin: germline.
Comment: This sequence change replaces serine, which is neutral and polar, with arginine, which is basic and polar, at codon 310 of the ATM protein (p.Ser310Arg). This variant is not present in population databases (gnomAD no frequency). This variant has not been reported in the literature in individuals affected with ATM-related conditions. ClinVar contains an entry for this variant (Variation ID: 2715011). Invitae Evidence Modeling of protein sequence and biophysical properties (such as structural, functional, and spatial information, amino acid conservation, physicochemical variation, residue mobility, and thermodynamic stability) indicates that this missense variant is not expected to disrupt ATM protein function with a negative predictive value of 95%. In summary, the available evidence is currently insufficient to determine the role of this variant in disease. Therefore, it has been classified as a Variant of Uncertain Significance.